The following is an entry in ClinVar:

ClinVar aggregate classification (germline): Likely benign (1 of 4 stars; one submission).

Allele frequency attached by ClinVar (database versions not stated): gnomAD exomes below 0.00001; ExAC 0.00001.
gnomAD v4.1: 1 of 1,613,668 alleles (0.000062%); highest among the groups gnomAD compares: Non-Finnish European, 0.000085%; no homozygotes.

Submission:

Laboratory for Molecular Medicine, Mass General Brigham Personalized Medicine
Classification: Likely benign. Last evaluated: 2013-09-13. Review status: criteria provided, single submitter. Criteria: LMM Criteria. Collection method: clinical testing. Allele origin: germline. Observed: 1 variant allele.
Comment: 1002+9G>A in intron 11 of MYH6: This variant is not expected to have clinical si gnificance because it is not located within the splice consensus sequence. 1002 +9G>A in intron 11 of MYH6 (allele frequency = n/a)

NM_002471.4(MYH6):c.1002+9G>A

Gene: MYH6 (myosin heavy chain 6; minus strand). Cytogenetic location: 14q11.2.
Variant type: single nucleotide variant.
Coding change: c.1002+9G>A on transcript NM_002471.4 (MANE Select); 9 bases into the intron after coding-DNA position 1002, G replaced by A.
Molecular consequence: intron variant.
Genome position (GRCh38, 1-based): chr14:23,402,688, C>T on the plus strand (G>A on the coding strand, the complement: MYH6 is on the minus strand). VCF-style: chr14-23402688-C-T. GRCh37 (hg19) VCF-style: chr14-23871897-C-T.
Identifiers: ClinVar variation 179164 (VCV000179164.4), dbSNP rs727504680, ClinGen allele CA183849.
Genomic context (GRCh38, chr14:23,402,688, plus strand): 5'-GGGGGTTGGAGCGGTGGCCCCAGGAGCTCCTGGGGTCCCTCGAACGGCCGCAGCAGCCCC[C>T]TCACTCACATCGGTGGCCATGAGCTCCTCGGAGTCATCAATGGAGGCCACGGACACCTCT-3'